The following is an entry in ClinVar:

NM_001903.5(CTNNA1):c.583C>T (p.Gln195Ter)

Gene: CTNNA1 (catenin alpha 1; plus strand). Cytogenetic location: 5q31.2.
Variant type: single nucleotide variant.
Coding change: c.583C>T on transcript NM_001903.5 (MANE Select); coding-DNA position 583, C replaced by T.
Protein change: p.Gln195Ter; replaces glutamine 195 with a stop codon.
Molecular consequence: nonsense.
Genome position (GRCh38, 1-based): chr5:138,812,297, C>T. VCF-style: chr5-138812297-C-T. GRCh37 (hg19) VCF-style: chr5-138147986-C-T.
Other names: c.583C>T, p.Gln195Ter (NM_001290307.3, NM_001323982.2, NM_001323983.1 and 3 more transcripts); c.274C>T, p.Gln92Ter (NM_001290309.3); c.214C>T, p.Gln72Ter (NM_001290310.3); short protein forms Q72*, Q92*, Q195*.
Identifiers: ClinVar variation 2034531 (VCV002034531.5), dbSNP rs1581119680, ClinGen allele CA361125694.

ClinVar aggregate classification (germline): Pathogenic. Review status: criteria provided, multiple submitters, no conflicts (2 of 4 stars). 2 submissions from 2 submitters: Pathogenic (2). Last evaluated 2025-01-26.

Conditions:
Hereditary diffuse gastric adenocarcinoma (HDGC). Also called: DIFFUSE GASTRIC AND LOBULAR BREAST CANCER SYNDROME. Identifiers: Orphanet 26106, MedGen C1708349, MONDO:0007648, OMIM 137215.

Submissions (2):

Labcorp Genetics (formerly Invitae), Labcorp
Classification: Pathogenic. Last evaluated: 2025-01-26. Review status: criteria provided, single submitter. Criteria: Invitae Variant Classification Sherloc (09022015). Collection method: clinical testing. Allele origin: germline.
Comment: This sequence change creates a premature translational stop signal (p.Gln195*) in the CTNNA1 gene. It is expected to result in an absent or disrupted protein product. Loss-of-function variants in CTNNA1 are known to be pathogenic (PMID: 32051609, 34425242). This variant is not present in population databases (gnomAD no frequency). This variant has not been reported in the literature in individuals affected with CTNNA1-related conditions. ClinVar contains an entry for this variant (Variation ID: 2034531). For these reasons, this variant has been classified as Pathogenic.

Myriad Genetics, Inc.
Classification: Pathogenic for Hereditary diffuse gastric adenocarcinoma. Last evaluated: 2024-09-11. Review status: criteria provided, single submitter. Criteria: Myriad Autosomal Dominant, Autosomal Recessive and X-Linked Classification Criteria (2023). Collection method: clinical testing. Allele origin: unknown.
Comment: This variant is considered pathogenic. This variant creates a termination codon and is predicted to result in premature protein truncation.

Literature cited by the submitters: PubMed 32051609 (cited by Labcorp Genetics (formerly Invitae), Labcorp); PubMed 34425242 (cited by Labcorp Genetics (formerly Invitae), Labcorp).